The following is an entry in ClinVar:

ClinVar aggregate classification (germline): Uncertain significance. Review status: criteria provided, multiple submitters, no conflicts (2 of 4 stars). 2 submissions from 2 submitters: Uncertain significance (2). Last evaluated 2025-08-29.

Conditions:
Inborn genetic diseases. Identifiers: MedGen C0950123, MeSH D030342.

Allele frequency attached by ClinVar (database versions not stated): TOPMed 0.00008; gnomAD 0.00009 and 0.00008; gnomAD exomes 0.00011 and 0.00003.
gnomAD v4.1: 169 of 1,536,708 alleles (0.011%); highest among the groups gnomAD compares: Non-Finnish European, 0.013%; 1 homozygote.

Submissions (2):

Ambry Genetics
Classification: Uncertain significance for Inborn genetic diseases. Last evaluated: 2025-08-29. Review status: criteria provided, single submitter. Criteria: Ambry Variant Classification Scheme 2023. Collection method: clinical testing. Allele origin: germline.

Labcorp Genetics (formerly Invitae), Labcorp
Classification: Uncertain significance. Last evaluated: 2021-12-12. Review status: criteria provided, single submitter. Criteria: Invitae Variant Classification Sherloc (09022015). Collection method: clinical testing. Allele origin: germline.
Comment: This sequence change replaces aspartic acid, which is acidic and polar, with tyrosine, which is neutral and polar, at codon 1676 of the PIEZO2 protein (p.Asp1676Tyr). The frequency data for this variant in the population databases is considered unreliable, as metrics indicate poor data quality at this position in the gnomAD database. This variant has not been reported in the literature in individuals affected with PIEZO2-related conditions. Advanced modeling of protein sequence and biophysical properties (such as structural, functional, and spatial information, amino acid conservation, physicochemical variation, residue mobility, and thermodynamic stability) performed at Invitae indicates that this missense variant is not expected to disrupt PIEZO2 protein function. In summary, the available evidence is currently insufficient to determine the role of this variant in disease. Therefore, it has been classified as a Variant of Uncertain Significance.

NM_001378183.1(PIEZO2):c.5200G>T (p.Asp1734Tyr)

Gene: PIEZO2 (piezo type mechanosensitive ion channel component 2; minus strand). Cytogenetic location: 18p11.22.
Variant type: single nucleotide variant.
Coding change: c.5200G>T on transcript NM_001378183.1 (MANE Select); coding-DNA position 5200, G replaced by T.
Protein change: p.Asp1734Tyr; replaces aspartic acid 1734 with tyrosine.
Molecular consequence: missense variant.
Genome position (GRCh38, 1-based): chr18:10,715,706, C>A on the plus strand (G>T on the coding strand, the complement: PIEZO2 is on the minus strand). VCF-style: chr18-10715706-C-A. GRCh37 (hg19) VCF-style: chr18-10715704-C-A.
Other names: c.5026G>T, p.Asp1676Tyr (NM_022068.4); c.5026G>T (NM_022068.2); short protein forms D1734Y, D1676Y.
Identifiers: ClinVar variation 1419673 (VCV001419673.5), dbSNP rs776252501, ClinGen allele CA295999622.